The following is an entry in ClinVar:

NM_001378183.1(PIEZO2):c.6475G>C (p.Glu2159Gln)

Gene: PIEZO2 (piezo type mechanosensitive ion channel component 2; minus strand). Cytogenetic location: 18p11.22.
Variant type: single nucleotide variant.
Coding change: c.6475G>C on transcript NM_001378183.1 (MANE Select); coding-DNA position 6475, G replaced by C.
Protein change: p.Glu2159Gln; replaces glutamic acid 2159 with glutamine.
Molecular consequence: missense variant.
Genome position (GRCh38, 1-based): chr18:10,699,144, C>G on the plus strand (G>C on the coding strand, the complement: PIEZO2 is on the minus strand). VCF-style: chr18-10699144-C-G. GRCh37 (hg19) VCF-style: chr18-10699142-C-G.
Other names: c.6136G>C, p.Glu2046Gln (NM_022068.4); c.6136G>C (NM_022068.3); short protein forms E2046Q, E2159Q.
Identifiers: ClinVar variation 436313 (VCV000436313.16), dbSNP rs200276831, ClinGen allele CA8892234.

ClinVar aggregate classification (germline): Conflicting classifications of pathogenicity. Review status: criteria provided, conflicting classifications (1 of 4 stars). 7 submissions from 7 submitters: Uncertain significance (3); Benign (1); Likely benign (2). 1 of the submissions does not count toward it. Last evaluated 2026-08-01.

Conditions:
PIEZO2-related disorder. Also called: PIEZO2-related disorders; PIEZO2-related condition.
Arthrogryposis, distal, with impaired proprioception and touch (DAIPT). Identifiers: MedGen C4310692, MONDO:0014941, OMIM 617146.
Gordon syndrome (DA3). Also called: ARTHROGRYPOSIS MULTIPLEX CONGENITA, DISTAL, TYPE IIA; CAMPTODACTYLY, CLEFT PALATE, AND CLUBFOOT; Gordon's syndrome. Identifiers: Orphanet 376, MedGen C0220666, MONDO:0007252, OMIM 114300.
Arthrogryposis- oculomotor limitation-electroretinal anomalies syndrome. Also called: ARTHROGRYPOSIS WITH OCULOMOTOR LIMITATION AND ELECTRORETINAL ABNORMALITIES; ARTHROGRYPOSIS, DISTAL, TYPE IIB; ARTHROGRYPOSIS, DISTAL, TYPE 5. Identifiers: Orphanet 1154, MedGen C1862472, MONDO:0007158, OMIM 108145.
Marden-Walker syndrome (MWKS). Also called: Connective tissue disorder Marden Walker type. Identifiers: Orphanet 2461, MedGen C0796033, MONDO:0009564, OMIM 248700.

Allele frequency attached by ClinVar (database versions not stated): ExAC 0.00017; 1000 Genomes Project 0.00020; ESP Exome Variant Server 0.00044; 1000 Genomes Project 30x 0.00047; TOPMed 0.00062; gnomAD exomes 0.00063 and 0.00105; gnomAD 0.00072 and 0.00076.
gnomAD v4.1: 1,555 of 1,537,288 alleles (0.1%); highest among the groups gnomAD compares: Non-Finnish European, 0.12%; 2 homozygotes.

Submissions (7):

CeGaT Center for Human Genetics Tuebingen
Classification: Likely benign. Last evaluated: 2026-08-01. Review status: criteria provided, single submitter. Criteria: CeGaT Center For Human Genetics Tuebingen Variant Classification Criteria Version 2. Collection method: clinical testing. Allele origin: germline. Affected: yes. Observed: 2 variant alleles.
Comment: PIEZO2: BP4

Women's Health and Genetics/Laboratory Corporation of America, LabCorp
Classification: Uncertain significance. Last evaluated: 2025-11-04. Review status: criteria provided, single submitter. Criteria: LabCorp Variant Classification Summary - May 2015. Collection method: clinical testing. Allele origin: germline.
Comment: Variant summary: PIEZO2 c.6136G>C (p.Glu2046Gln) results in a conservative amino acid change in the encoded protein sequence. Algorithms developed to predict the effect of missense changes on protein structure and function all suggest that this variant is likely to be tolerated. The variant allele was found at a frequency of 0.00063 in 141638 control chromosomes. This frequency is not significantly higher than estimated for disease-causing variants in PIEZO2, allowing no conclusion about variant significance. To our knowledge, no occurrence of c.6136G>C in individuals affected with PIEZO2-related conditions and no experimental evidence demonstrating its impact on protein function have been reported. ClinVar contains an entry for this variant (Variation ID: 436313). Based on the evidence outlined above, the variant was classified as uncertain significance.

Blueprint Genetics
Classification: Likely benign. Last evaluated: 2024-10-30. Review status: criteria provided, single submitter. Criteria: ACMG Guidelines, 2015. Collection method: clinical testing. Allele origin: germline.

Labcorp Genetics (formerly Invitae), Labcorp
Classification: Benign. Last evaluated: 2024-08-04. Review status: criteria provided, single submitter. Criteria: Invitae Variant Classification Sherloc (09022015). Collection method: clinical testing. Allele origin: germline.

Fulgent Genetics
Classification: Uncertain significance for Arthrogryposis- oculomotor limitation-electroretinal anomalies syndrome; Gordon syndrome; Marden-Walker syndrome; Arthrogryposis, distal, with impaired proprioception and touch. Last evaluated: 2018-10-31. Review status: criteria provided, single submitter. Criteria: ACMG Guidelines, 2015. Collection method: clinical testing. Allele origin: unknown.

Genetic Services Laboratory, University of Chicago
Classification: Uncertain significance. Last evaluated: 2017-05-02. Review status: criteria provided, single submitter. Criteria: ACMG Guidelines, 2015. Collection method: clinical testing. Allele origin: germline. Affected: no.

PreventionGenetics, part of Exact Sciences
Classification: Likely benign for PIEZO2-related condition. Last evaluated: 2022-03-02. Review status: no assertion criteria provided. Collection method: clinical testing. Allele origin: germline. Not counted in ClinVar's aggregate classification.
Comment: This variant is classified as likely benign based on ACMG/AMP sequence variant interpretation guidelines (Richards et al. 2015 PMID: 25741868, with internal and published modifications).